The following is an entry in ClinVar:

NM_006846.4(SPINK5):c.45C>A (p.Cys15Ter)

Gene: SPINK5 (serine peptidase inhibitor Kazal type 5; plus strand). Cytogenetic location: 5q32.
Variant type: single nucleotide variant.
Coding change: c.45C>A on transcript NM_006846.4 (MANE Select); coding-DNA position 45, C replaced by A.
Protein change: p.Cys15Ter; replaces cysteine 15 with a stop codon.
Molecular consequence: nonsense.
Genome position (GRCh38, 1-based): chr5:148,064,089, C>A. VCF-style: chr5-148064089-C-A. GRCh37 (hg19) VCF-style: chr5-147443652-C-A.
Other names: c.45C>A, p.Cys15Ter (NM_001127698.2, NM_001127699.2); short protein forms C15*.
Identifiers: ClinVar variation 2060408 (VCV002060408.4), dbSNP rs770450773, ClinGen allele CA3495075.
Genomic context (GRCh38, chr5:148,064,089, plus strand): 5'-TTGCATCGTCTTCAACATGAAGATAGCCACAGTGTCAGTGCTTCTGCCCTTGGCTCTTTG[C>A]CTCATACAAGGTGAGCAATTTGTGTGTAATCTAAGCCTCTTGCCACACATCTCAAAGCCC-3'

ClinVar aggregate classification (germline): Pathogenic (1 of 4 stars; one submission).

Conditions:
Ichthyosis linearis circumflexa. Identifiers: MedGen C0265962, MONDO:0043106, HP:0025810.

Allele frequency attached by ClinVar (database versions not stated): TOPMed below 0.00001; ExAC 0.00001.
gnomAD v4.1: 1 of 1,614,122 alleles (0.000062%); no homozygotes.

Submission:

Labcorp Genetics (formerly Invitae), Labcorp
Classification: Pathogenic for Ichthyosis linearis circumflexa. Last evaluated: 2022-03-12. Review status: criteria provided, single submitter. Criteria: Invitae Variant Classification Sherloc (09022015). Collection method: clinical testing. Allele origin: germline.
Comment: For these reasons, this variant has been classified as Pathogenic. This variant has not been reported in the literature in individuals affected with SPINK5-related conditions. This variant is present in population databases (rs770450773, gnomAD 0.006%). This sequence change creates a premature translational stop signal (p.Cys15*) in the SPINK5 gene. It is expected to result in an absent or disrupted protein product. Loss-of-function variants in SPINK5 are known to be pathogenic (PMID: 11511292, 11841556).

Literature cited by the submitters: PubMed 11511292; PubMed 11841556.